The following is an entry in ClinVar:

ClinVar aggregate classification (germline): Uncertain significance (1 of 4 stars; one submission).

Submission:

GeneDx
Classification: Uncertain significance. Last evaluated: 2025-07-17. Review status: criteria provided, single submitter. Criteria: GeneDx Variant Classification Process June 2021. Collection method: clinical testing. Allele origin: germline. Affected: yes.
Comment: Not observed at significant frequency in large population cohorts (gnomAD); In silico analysis supports that this missense variant has a deleterious effect on protein structure/function; Has not been previously published as pathogenic or benign to our knowledge

NM_001385012.1(NBEA):c.8280C>G (p.Ile2760Met)

Gene: NBEA (neurobeachin; plus strand). Cytogenetic location: 13q13.3.
Variant type: single nucleotide variant.
Coding change: c.8280C>G on transcript NM_001385012.1 (MANE Select); coding-DNA position 8280, C replaced by G.
Protein change: p.Ile2760Met; replaces isoleucine 2760 with methionine.
Molecular consequence: missense variant.
Genome position (GRCh38, 1-based): chr13:35,655,667, C>G. VCF-style: chr13-35655667-C-G. GRCh37 (hg19) VCF-style: chr13-36229804-C-G.
Other names: c.1596C>G, p.Ile532Met (NM_001204197.3); c.8271C>G, p.Ile2757Met (NM_001379245.1); c.8217C>G, p.Ile2739Met (NM_015678.5); short protein forms I2739M, I2757M, I2760M, I532M.
Identifiers: ClinVar variation 4686544 (VCV004686544.1).